The following is an entry in ClinVar:

ClinVar aggregate classification (germline): Uncertain significance (1 of 4 stars; one submission).

Conditions:
Primary ciliary dyskinesia 32. Also called: CILIARY DYSKINESIA, PRIMARY, 32, WITHOUT SITUS INVERSUS. Identifiers: Orphanet 244, MedGen C4225311, MONDO:0014657, OMIM 616481.

gnomAD v4.1: 6 of 1,612,882 alleles (0.00037%); highest among the groups gnomAD compares: African/African-American, 0.0053%; no homozygotes.

Submission:

Labcorp Genetics (formerly Invitae), Labcorp
Classification: Uncertain significance for Primary ciliary dyskinesia 32. Last evaluated: 2023-06-10. Review status: criteria provided, single submitter. Criteria: Invitae Variant Classification Sherloc (09022015). Collection method: clinical testing. Allele origin: germline.
Comment: In summary, the available evidence is currently insufficient to determine the role of this variant in disease. Therefore, it has been classified as a Variant of Uncertain Significance. An algorithm developed to predict the effect of missense changes on protein structure and function (PolyPhen-2) suggests that this variant is likely to be tolerated. This variant has not been reported in the literature in individuals affected with RSPH3-related conditions. This variant is present in population databases (no rsID available, gnomAD 0.03%). This sequence change replaces glycine, which is neutral and non-polar, with valine, which is neutral and non-polar, at codon 24 of the RSPH3 protein (p.Gly24Val).

NM_031924.8(RSPH3):c.-356G>T

Genes: RSPH3 (radial spoke head 3; minus strand), TAGAP-AS1 (TAGAP antisense RNA 1; plus strand). Cytogenetic location: 6q25.3.
Variant type: single nucleotide variant.
Coding change: c.-356G>T on transcript NM_031924.8 (MANE Select); 356 bases upstream of the start codon, G replaced by T.
Molecular consequence: 5 prime UTR variant. On other transcripts: non-coding transcript variant (3), missense variant (1).
Genome position (GRCh38, 1-based): chr6:158,999,906, C>A on the plus strand (G>T on the coding strand, the complement: RSPH3 is on the minus strand). VCF-style: chr6-158999906-C-A. GRCh37 (hg19) VCF-style: chr6-159420938-C-A.
Other names: c.71G>T, p.Gly24Val (NM_001346418.1); short protein forms G24V.
Identifiers: ClinVar variation 2716793 (VCV002716793.3), dbSNP rs143832203, ClinGen allele CA366285923.